The following is an entry in ClinVar:

ClinVar aggregate classification (germline): Likely benign (0 of 4 stars; one submission).

Conditions:
ANKK1-related disorder. Also called: ANKK1-related condition.

Allele frequency attached by ClinVar (database versions not stated): ESP Exome Variant Server 0.00008; gnomAD 0.00021.

Submissions (2):

PreventionGenetics, part of Exact Sciences
Classification: Likely benign for ANKK1-related condition. Last evaluated: 2019-03-18. Review status: no assertion criteria provided. Collection method: clinical testing. Allele origin: germline.
Comment: This variant is classified as likely benign based on ACMG/AMP sequence variant interpretation guidelines (Richards et al. 2015 PMID: 25741868, with internal and published modifications).

Dr. Peter K. Rogan Lab, Western University
No classification provided (evidence only). Condition: Malignant tumor of esophagus. Review status: no classification provided. Collection method: in vitro. Allele origin: not applicable. Functional consequence: retained intron. Not counted in ClinVar's aggregate classification.

NM_178510.2(ANKK1):c.682+10C>T

Gene: ANKK1 (ankyrin repeat and kinase domain containing 1; plus strand). Cytogenetic location: 11q23.2.
Variant type: single nucleotide variant.
Coding change: c.682+10C>T on transcript NM_178510.2 (MANE Select); 10 bases into the intron after coding-DNA position 682, C replaced by T.
Molecular consequence: intron variant.
Genome position (GRCh38, 1-based): chr11:113,395,418, C>T. VCF-style: chr11-113395418-C-T. GRCh37 (hg19) VCF-style: chr11-113266140-C-T.
Other names: NC_000011.9:g.113266140C>T.
Identifiers: ClinVar variation 3040827 (VCV003040827.3), dbSNP rs367629143, ClinGen allele CA6280688.